The following is an entry in ClinVar:

NM_177438.3(DICER1):c.3659A>G (p.Gln1220Arg)

Gene: DICER1 (dicer 1, ribonuclease III; minus strand). Cytogenetic location: 14q32.13.
Variant type: single nucleotide variant.
Coding change: c.3659A>G on transcript NM_177438.3 (MANE Select); coding-DNA position 3659, A replaced by G.
Protein change: p.Gln1220Arg; replaces glutamine 1220 with arginine.
Molecular consequence: missense variant.
Genome position (GRCh38, 1-based): chr14:95,103,737, T>C on the plus strand (A>G on the coding strand, the complement: DICER1 is on the minus strand). VCF-style: chr14-95103737-T-C. GRCh37 (hg19) VCF-style: chr14-95570074-T-C.
Other names: c.3659A>G, p.Gln1220Arg (NM_001195573.1, NM_001271282.3, NM_001291628.2 and 1 more transcripts); short protein forms Q1220R.
Identifiers: ClinVar variation 852596 (VCV000852596.13), dbSNP rs776020604, ClinGen allele CA265906032.

ClinVar aggregate classification (germline): Uncertain significance. Review status: criteria provided, multiple submitters, no conflicts (2 of 4 stars). 2 submissions from 2 submitters: Uncertain significance (2). Last evaluated 2025-07-24.

Conditions:
DICER1-related tumor predisposition. Also called: DICER1 syndrome; DICER1-related pleuropulmonary blastoma cancer predisposition syndrome. Identifiers: Orphanet 284343, MedGen C3839822, MONDO:0100216.
Hereditary cancer-predisposing syndrome. Also called: Neoplastic Syndromes, Hereditary; Hereditary Cancer Syndrome; Hereditary neoplastic syndrome; Tumor predisposition. Identifiers: Orphanet 140162, MedGen C0027672, MeSH D009386, MONDO:0015356.

Allele frequency attached by ClinVar (database versions not stated): TOPMed below 0.00001; gnomAD 0.00001.
gnomAD v4.1: 1 of 1,614,114 alleles (0.000062%); highest among the groups gnomAD compares: African/African-American, 0.0013%; no homozygotes.

Submissions (2):

Ambry Genetics
Classification: Uncertain significance for Hereditary cancer-predisposing syndrome. Last evaluated: 2025-07-24. Review status: criteria provided, single submitter. Criteria: Ambry Variant Classification Scheme 2023. Collection method: clinical testing. Allele origin: germline.
Comment: The p.Q1220R variant (also known as c.3659A>G), located in coding exon 20 of the DICER1 gene, results from an A to G substitution at nucleotide position 3659. The glutamine at codon 1220 is replaced by arginine, an amino acid with highly similar properties. This amino acid position is highly conserved in available vertebrate species. In addition, the in silico prediction for this alteration is inconclusive. Based on the available evidence, the clinical significance of this variant remains unclear.

Labcorp Genetics (formerly Invitae), Labcorp
Classification: Uncertain significance for DICER1-related tumor predisposition. Last evaluated: 2025-05-22. Review status: criteria provided, single submitter. Criteria: Invitae Variant Classification Sherloc (09022015). Collection method: clinical testing. Allele origin: germline.
Comment: This sequence change replaces glutamine, which is neutral and polar, with arginine, which is basic and polar, at codon 1220 of the DICER1 protein (p.Gln1220Arg). This variant is not present in population databases (gnomAD no frequency). This variant has not been reported in the literature in individuals affected with DICER1-related conditions. ClinVar contains an entry for this variant (Variation ID: 852596). Invitae Evidence Modeling of protein sequence and biophysical properties (such as structural, functional, and spatial information, amino acid conservation, physicochemical variation, residue mobility, and thermodynamic stability) indicates that this missense variant is not expected to disrupt DICER1 protein function with a negative predictive value of 95%. In summary, the available evidence is currently insufficient to determine the role of this variant in disease. Therefore, it has been classified as a Variant of Uncertain Significance.